The following is an entry in ClinVar:

ClinVar aggregate classification (germline): Uncertain significance (1 of 4 stars; one submission).

Conditions:
Hepatic veno-occlusive disease-immunodeficiency syndrome. Also called: Hepatic Veno-Occlusive Disease with Immunodeficiency. Identifiers: Orphanet 79124, MedGen C1856128, MONDO:0009338, OMIM 235550. Disease mechanism: loss of function.

Allele frequency attached by ClinVar (database versions not stated): ESP Exome Variant Server 0.00015.
gnomAD v4.1: 91 of 1,613,926 alleles (0.0056%); highest among the groups gnomAD compares: Non-Finnish European, 0.0074%; no homozygotes.

Submission:

Labcorp Genetics (formerly Invitae), Labcorp
Classification: Uncertain significance for Hepatic veno-occlusive disease-immunodeficiency syndrome. Last evaluated: 2025-03-31. Review status: criteria provided, single submitter. Criteria: Invitae Variant Classification Sherloc (09022015). Collection method: clinical testing. Allele origin: germline.
Comment: This sequence change replaces arginine, which is basic and polar, with serine, which is neutral and polar, at codon 641 of the SP110 protein (p.Arg641Ser). This variant is present in population databases (rs201864810, gnomAD 0.005%). This variant has not been reported in the literature in individuals affected with SP110-related conditions. ClinVar contains an entry for this variant (Variation ID: 1383586). An algorithm developed to predict the effect of missense changes on protein structure and function (PolyPhen-2) suggests that this variant is likely to be disruptive. In summary, the available evidence is currently insufficient to determine the role of this variant in disease. Therefore, it has been classified as a Variant of Uncertain Significance.

NM_080424.4(SP110):c.1993C>A (p.Arg665Ser)

Gene: SP110 (SP110 nuclear body protein; minus strand). Cytogenetic location: 2q37.1.
Variant type: single nucleotide variant.
Coding change: c.1993C>A on transcript NM_080424.4 (MANE Select); coding-DNA position 1993, C replaced by A.
Protein change: p.Arg665Ser; replaces arginine 665 with serine.
Molecular consequence: missense variant. On other transcripts: intron variant (1).
Genome position (GRCh38, 1-based): chr2:230,170,656, G>T on the plus strand (C>A on the coding strand, the complement: SP110 is on the minus strand). VCF-style: chr2-230170656-G-T. GRCh37 (hg19) VCF-style: chr2-231035372-G-T.
Other names: c.2089C>A, p.Arg697Ser (NM_001378442.1); c.2071C>A, p.Arg691Ser (NM_001378443.1); c.2011C>A, p.Arg671Ser (NM_001378444.1); c.1939C>A, p.Arg647Ser (NM_001378445.1); c.1921C>A, p.Arg641Ser (NM_004509.5); c.1833+1410C>A (NM_001378446.1); short protein forms R665S, R671S, R691S, R647S, R697S, R641S.
Identifiers: ClinVar variation 1383586 (VCV001383586.7), dbSNP rs201864810, ClinGen allele CA2154278.
Genomic context (GRCh38, chr2:230,170,656, plus strand): 5'-AAAGGAAGCAGGAAATGCTCTTTACCTTGTAAAATGTTTTATGGTTGCGAAACATCAGGC[G>T]CATGTCTCGCACAAACCATGCCACCGTGTACATTTCCGTAATCAGCCTTTCCTTAACCAG-3'
Protein context (NP_536349.3, residues 655-675): YTVAWFVRDM[Arg665Ser]LMFRNHKTFY